The following is an entry in ClinVar:

NM_015693.4(INTU):c.2741C>G (p.Pro914Arg)

Gene: INTU (inturned planar cell polarity protein; plus strand). Cytogenetic location: 4q28.1.
Variant type: single nucleotide variant.
Coding change: c.2741C>G on transcript NM_015693.4 (MANE Select); coding-DNA position 2741, C replaced by G.
Protein change: p.Pro914Arg; replaces proline 914 with arginine.
Molecular consequence: missense variant.
Genome position (GRCh38, 1-based): chr4:127,716,348, C>G. VCF-style: chr4-127716348-C-G. GRCh37 (hg19) VCF-style: chr4-128637503-C-G.
Other names: short protein forms P914R.
Identifiers: ClinVar variation 2177074 (VCV002177074.4), dbSNP rs1432997624, ClinGen allele CA358145149.

ClinVar aggregate classification (germline): Uncertain significance (1 of 4 stars; one submission).

gnomAD v4.1: 14 of 1,573,432 alleles (0.00089%); highest among the groups gnomAD compares: Non-Finnish European, 0.0012%; no homozygotes.

Submission:

Labcorp Genetics (formerly Invitae), Labcorp
Classification: Uncertain significance. Last evaluated: 2023-10-04. Review status: criteria provided, single submitter. Criteria: Invitae Variant Classification Sherloc (09022015). Collection method: clinical testing. Allele origin: germline.
Comment: This sequence change replaces proline, which is neutral and non-polar, with arginine, which is basic and polar, at codon 914 of the INTU protein (p.Pro914Arg). This variant is not present in population databases (gnomAD no frequency). This variant has not been reported in the literature in individuals affected with INTU-related conditions. ClinVar contains an entry for this variant (Variation ID: 2177074). Advanced modeling of protein sequence and biophysical properties (such as structural, functional, and spatial information, amino acid conservation, physicochemical variation, residue mobility, and thermodynamic stability) performed at Invitae indicates that this missense variant is expected to disrupt INTU protein function. In summary, the available evidence is currently insufficient to determine the role of this variant in disease. Therefore, it has been classified as a Variant of Uncertain Significance.